The following is an entry in ClinVar:

ClinVar aggregate classification (germline): Uncertain significance. Review status: criteria provided, multiple submitters, no conflicts (2 of 4 stars). 2 submissions from 2 submitters: Uncertain significance (2). Last evaluated 2026-01-27.

Conditions:
Inborn genetic diseases. Identifiers: MedGen C0950123, MeSH D030342.

Allele frequency attached by ClinVar (database versions not stated): gnomAD 0.00001; TOPMed 0.00002; ExAC 0.00004.
gnomAD v4.1: 34 of 1,608,224 alleles (0.0021%); highest among the groups gnomAD compares: Admixed American, 0.0033%; no homozygotes.

Submissions (2):

Labcorp Genetics (formerly Invitae), Labcorp
Classification: Uncertain significance. Last evaluated: 2026-01-27. Review status: criteria provided, single submitter. Criteria: Invitae Variant Classification Sherloc (09022015). Collection method: clinical testing. Allele origin: germline.
Comment: This sequence change replaces glycine, which is neutral and non-polar, with glutamic acid, which is acidic and polar, at codon 510 of the GHR protein (p.Gly510Glu). This variant is present in population databases (rs753358684, gnomAD 0.01%). This variant has not been reported in the literature in individuals affected with GHR-related conditions. ClinVar contains an entry for this variant (Variation ID: 2472422). Invitae Evidence Modeling of protein sequence and biophysical properties (such as structural, functional, and spatial information, amino acid conservation, physicochemical variation, residue mobility, and thermodynamic stability) indicates that this missense variant is not expected to disrupt GHR protein function with a negative predictive value of 95%. In summary, the available evidence is currently insufficient to determine the role of this variant in disease. Therefore, it has been classified as a Variant of Uncertain Significance.

Ambry Genetics
Classification: Uncertain significance for Inborn genetic diseases. Last evaluated: 2025-12-04. Review status: criteria provided, single submitter. Criteria: Ambry Variant Classification Scheme 2023. Collection method: clinical testing. Allele origin: germline.

NM_000163.5(GHR):c.1529G>A (p.Gly510Glu)

Gene: GHR (growth hormone receptor; plus strand). Cytogenetic location: 5p12.
Variant type: single nucleotide variant.
Coding change: c.1529G>A on transcript NM_000163.5 (MANE Select); coding-DNA position 1529, G replaced by A.
Protein change: p.Gly510Glu; replaces glycine 510 with glutamic acid.
Molecular consequence: missense variant. On other transcripts: 3 prime UTR variant (1).
Genome position (GRCh38, 1-based): chr5:42,719,036, G>A. VCF-style: chr5-42719036-G-A. GRCh37 (hg19) VCF-style: chr5-42719138-G-A.
Other names: c.1550G>A, p.Gly517Glu (NM_001242399.2); c.1529G>A, p.Gly510Glu (NM_001242400.2, NM_001242401.4, NM_001242402.2 and 4 more transcripts); c.1463G>A, p.Gly488Glu (NM_001242460.2); c.*571G>A (NM_001242462.1); short protein forms G510E, G517E, G488E.
Identifiers: ClinVar variation 2472422 (VCV002472422.4), dbSNP rs753358684, ClinGen allele CA3254661.
Genomic context (GRCh38, chr5:42,719,036, plus strand): 5'-TGAGCGACATTACACCAGCAGGTAGTGTGGTCCTTTCCCCGGGCCAAAAGAATAAGGCAG[G>A]GATGTCCCAATGTGACATGCACCCGGAAATGGTCTCACTCTGCCAAGAAAACTTCCTTAT-3'
Protein context (NP_000154.1, residues 500-520): VLSPGQKNKA[Gly510Glu]MSQCDMHPEM